The following is an entry in ClinVar:

NM_001164508.2(NEB):c.20956G>C (p.Asp6986His)

Gene: NEB (nebulin; minus strand). Cytogenetic location: 2q23.3.
Variant type: single nucleotide variant.
Coding change: c.20956G>C on transcript NM_001164508.2 (MANE Select); coding-DNA position 20956, G replaced by C.
Protein change: p.Asp6986His; replaces aspartic acid 6986 with histidine.
Molecular consequence: missense variant.
Genome position (GRCh38, 1-based): chr2:151,538,181, C>G on the plus strand (G>C on the coding strand, the complement: NEB is on the minus strand). VCF-style: chr2-151538181-C-G. GRCh37 (hg19) VCF-style: chr2-152394695-C-G.
Other names: c.20956G>C, p.Asp6986His (NM_001164507.2, NM_001271208.2); c.15853G>C, p.Asp5285His (NM_004543.5); c.15853G>C (NM_004543.4); short protein forms D6986H, D5285H.
Identifiers: ClinVar variation 393007 (VCV000393007.45), dbSNP rs150874422, ClinGen allele CA1907121.

ClinVar aggregate classification (germline): Conflicting classifications of pathogenicity. Review status: criteria provided, conflicting classifications (1 of 4 stars). 8 submissions from 8 submitters: Uncertain significance (5); Benign (1). 2 of the submissions do not count toward it. Last evaluated 2026-01-14.

Conditions:
Nemaline myopathy 2 (NEM2). Also called: Nemaline myopathy 2, autosomal recessive. Identifiers: MedGen C1850569, MONDO:0009725, OMIM 256030.
Arthrogryposis multiplex congenita 6. Identifiers: MedGen C5543431, MONDO:0030281, OMIM 619334.
NEB-related disorder. Also called: NEB-Related Disorders; NEB-related condition.
Inborn genetic diseases. Identifiers: MedGen C0950123, MeSH D030342.

Allele frequency attached by ClinVar (database versions not stated): gnomAD exomes 0.00008; ExAC 0.00012; 1000 Genomes Project 30x 0.00016; 1000 Genomes Project 0.00020; gnomAD 0.00052 and 0.00055; TOPMed 0.00058; ESP Exome Variant Server 0.00067.
gnomAD v4.1: 125 of 1,613,136 alleles (0.0077%); highest among the groups gnomAD compares: African/African-American, 0.16%; no homozygotes.

Submissions (8):

Labcorp Genetics (formerly Invitae), Labcorp
Classification: Benign for Nemaline myopathy 2. Last evaluated: 2026-01-14. Review status: criteria provided, single submitter. Criteria: Invitae Variant Classification Sherloc (09022015). Collection method: clinical testing. Allele origin: germline.

Ambry Genetics
Classification: Uncertain significance for Inborn genetic diseases. Last evaluated: 2024-10-12. Review status: criteria provided, single submitter. Criteria: Ambry Variant Classification Scheme 2023. Collection method: clinical testing. Allele origin: germline.

GeneDx
Classification: Uncertain significance. Last evaluated: 2024-06-18. Review status: criteria provided, single submitter. Criteria: GeneDx Variant Classification Process June 2021. Collection method: clinical testing. Allele origin: germline. Affected: yes.
Comment: In silico analysis supports that this missense variant has a deleterious effect on protein structure/function; Has not been previously published as pathogenic or benign to our knowledge

CeGaT Center for Human Genetics Tuebingen
Classification: Uncertain significance. Last evaluated: 2023-11-01. Review status: criteria provided, single submitter. Criteria: CeGaT Center For Human Genetics Tuebingen Variant Classification Criteria Version 2. Collection method: clinical testing. Allele origin: germline. Affected: yes. Observed: 1 variant allele.

Revvity Omics, Revvity
Classification: Uncertain significance. Last evaluated: 2023-10-03. Review status: criteria provided, single submitter. Criteria: ACMG Guidelines, 2015. Collection method: clinical testing. Allele origin: germline.

Fulgent Genetics
Classification: Uncertain significance for Nemaline myopathy 2; Arthrogryposis multiplex congenita 6. Last evaluated: 2021-10-08. Review status: criteria provided, single submitter. Criteria: ACMG Guidelines, 2015. Collection method: clinical testing. Allele origin: unknown.

PreventionGenetics, part of Exact Sciences
Classification: Likely benign for NEB-related condition. Last evaluated: 2023-08-28. Review status: no assertion criteria provided. Collection method: clinical testing. Allele origin: germline. Not counted in ClinVar's aggregate classification.
Comment: This variant is classified as likely benign based on ACMG/AMP sequence variant interpretation guidelines (Richards et al. 2015 PMID: 25741868, with internal and published modifications).

Natera, Inc.
Classification: Uncertain significance for Nemaline myopathy type 2. Last evaluated: 2020-01-17. Review status: no assertion criteria provided. Collection method: clinical testing. Allele origin: germline. Not counted in ClinVar's aggregate classification.